The following is an entry in ClinVar:

NM_000245.4(MET):c.1151G>T (p.Arg384Ile)

Gene: MET (MET proto-oncogene, receptor tyrosine kinase; plus strand). Cytogenetic location: 7q31.2.
Variant type: single nucleotide variant.
Coding change: c.1151G>T on transcript NM_000245.4 (MANE Select); coding-DNA position 1151, G replaced by T.
Protein change: p.Arg384Ile; replaces arginine 384 with isoleucine.
Molecular consequence: missense variant. On other transcripts: intron variant (1).
Genome position (GRCh38, 1-based): chr7:116,700,235, G>T. VCF-style: chr7-116700235-G-T. GRCh37 (hg19) VCF-style: chr7-116340289-G-T.
Other names: c.1151G>T, p.Arg384Ile (NM_001127500.3, NM_001324401.3); c.-91+27658G>T (NM_001324402.2); short protein forms R384I.
Identifiers: ClinVar variation 2567685 (VCV002567685.2), dbSNP rs2116606632, ClinGen allele CA368970653.

ClinVar aggregate classification (germline): Uncertain significance (1 of 4 stars; one submission).

Conditions:
Hereditary cancer-predisposing syndrome. Also called: Hereditary neoplastic syndrome; Hereditary Cancer Syndrome; Neoplastic Syndromes, Hereditary; Tumor predisposition. Identifiers: Orphanet 140162, MedGen C0027672, MeSH D009386, MONDO:0015356.

Submission:

Ambry Genetics
Classification: Uncertain significance for Hereditary cancer-predisposing syndrome. Last evaluated: 2023-04-11. Review status: criteria provided, single submitter. Criteria: Ambry Variant Classification Scheme 2023. Collection method: clinical testing. Allele origin: germline.
Comment: The p.R384I variant (also known as c.1151G>T), located in coding exon 1 of the MET gene, results from a G to T substitution at nucleotide position 1151. The arginine at codon 384 is replaced by isoleucine, an amino acid with similar properties. This amino acid position is conserved. In addition, this alteration is predicted to be tolerated by in silico analysis. Since supporting evidence is limited at this time, the clinical significance of this alteration remains unclear.